The following is an entry in ClinVar:

NM_031433.4(MFRP):c.353C>T (p.Thr118Ile)

Genes: C1QTNF5 (C1q and TNF related 5; minus strand), MFRP (membrane frizzled-related protein; minus strand). Cytogenetic location: 11q23.3.
Variant type: single nucleotide variant.
Coding change: c.353C>T on transcript NM_031433.4 (MANE Select); coding-DNA position 353, C replaced by T.
Protein change: p.Thr118Ile; replaces threonine 118 with isoleucine.
Molecular consequence: missense variant. On other transcripts: 5 prime UTR variant (1).
Genome position (GRCh38, 1-based): chr11:119,345,847, G>A on the plus strand (C>T on the coding strand, the complement: MFRP is on the minus strand). VCF-style: chr11-119345847-G-A. GRCh37 (hg19) VCF-style: chr11-119216557-G-A.
Other names: c.-2284C>T (NM_015645.5); short protein forms T118I.
Identifiers: ClinVar variation 2149840 (VCV002149840.1), dbSNP rs1458925785, ClinGen allele CA382978896.

ClinVar aggregate classification (germline): Uncertain significance (1 of 4 stars; one submission).

Conditions:
Isolated microphthalmia 5. Also called: Posterior Microphthalmia with Retinitis Pigmentosa, Foveoschisis, and Optic Disc Drusen. Identifiers: Orphanet 251279, MedGen C1970236, MONDO:0012605, OMIM 611040.

Allele frequency attached by ClinVar (database versions not stated): gnomAD exomes below 0.00001.

Submission:

Labcorp Genetics (formerly Invitae), Labcorp
Classification: Uncertain significance for Isolated microphthalmia 5. Last evaluated: 2022-05-08. Review status: criteria provided, single submitter. Criteria: Invitae Variant Classification Sherloc (09022015). Collection method: clinical testing. Allele origin: germline.
Comment: This sequence change replaces threonine, which is neutral and polar, with isoleucine, which is neutral and non-polar, at codon 118 of the MFRP protein (p.Thr118Ile). This variant is present in population databases (no rsID available, gnomAD 0.0009%). This variant has not been reported in the literature in individuals affected with MFRP-related conditions. Algorithms developed to predict the effect of missense changes on protein structure and function output the following: SIFT: "Deleterious"; PolyPhen-2: "Benign"; Align-GVGD: "Class C0". The isoleucine amino acid residue is found in multiple mammalian species, which suggests that this missense change does not adversely affect protein function. In summary, the available evidence is currently insufficient to determine the role of this variant in disease. Therefore, it has been classified as a Variant of Uncertain Significance.